The following is an entry in ClinVar:

NM_182746.3(MCM4):c.*148A>G

Gene: MCM4 (minichromosome maintenance complex component 4; plus strand). Cytogenetic location: 8q11.21.
Variant type: single nucleotide variant.
Coding change: c.*148A>G on transcript NM_182746.3 (MANE Select); 148 bases downstream of the stop codon, A replaced by G.
Molecular consequence: 3 prime UTR variant.
Genome position (GRCh38, 1-based): chr8:47,976,926, A>G. VCF-style: chr8-47976926-A-G. GRCh37 (hg19) VCF-style: chr8-48889486-A-G.
Other names: c.*148A>G (NM_005914.4).
Identifiers: ClinVar variation 909073 (VCV000909073.4), dbSNP rs117499589, ClinGen allele CA176160852.
Genomic context (GRCh38, chr8:47,976,926, plus strand): 5'-TGTAAATAGAGCTTAAAGTCATGGTTTGGCTGCATAAAAATTTTCTAACTTGGGTTCAAT[A>G]TTTGTAGTGAAGTATCTGTTTTCATTTTTTTCACGTTATAAATAAAAATACTATGCTGGC-3'

ClinVar aggregate classification (germline): Benign (1 of 4 stars; one submission).

Conditions:
Primary immunodeficiency with natural-killer cell deficiency and adrenal insufficiency (IMD54). Also called: Natural killer cell and glucocorticoid deficiency with DNA repair defect; IMMUNODEFICIENCY 54. Identifiers: Orphanet 75391, MedGen C1864947, MONDO:0012383, OMIM 609981.

Allele frequency attached by ClinVar (database versions not stated): gnomAD 0.00048 and 0.00082; TOPMed 0.00088; gnomAD exomes 0.00227; 1000 Genomes Project 30x 0.00453; 1000 Genomes Project 0.00519.
gnomAD v4.1: 1,005 of 557,336 alleles (0.18%); highest among the groups gnomAD compares: East Asian, 2.9%; 22 homozygotes.

Submission:

Illumina Laboratory Services, Illumina
Classification: Benign for Primary immunodeficiency with natural-killer cell deficiency and adrenal insufficiency. Last evaluated: 2017-04-27. Review status: criteria provided, single submitter. Criteria: ICSL Variant Classification Criteria 13 December 2019. Collection method: clinical testing. Allele origin: germline.
Comment: This variant was observed as part of a predisposition screen in an ostensibly healthy population. A literature search was performed for the gene, cDNA change, and amino acid change (where applicable). No publications were found based on this search. Allele frequency data from public databases was too high to be consistent with this variant causing disease. Therefore, this variant is classified as benign.